The following is an entry in ClinVar:

ClinVar aggregate classification (germline): Likely benign. Review status: criteria provided, multiple submitters, no conflicts (2 of 4 stars). 4 submissions from 4 submitters: Likely benign (4). Last evaluated 2026-01-21.

Allele frequency attached by ClinVar (database versions not stated): 1000 Genomes Project 30x 0.00031; 1000 Genomes Project 0.00040; ESP Exome Variant Server 0.00054; gnomAD 0.00068 and 0.00072; ExAC 0.00075; gnomAD exomes 0.00076 and 0.00086; TOPMed 0.00080.
gnomAD v4.1: 1,356 of 1,614,216 alleles (0.084%); highest among the groups gnomAD compares: Middle Eastern, 0.25%; 1 homozygote.

Submissions (4):

Labcorp Genetics (formerly Invitae), Labcorp
Classification: Likely benign. Last evaluated: 2026-01-21. Review status: criteria provided, single submitter. Criteria: Invitae Variant Classification Sherloc (09022015). Collection method: clinical testing. Allele origin: germline.

Blueprint Genetics
Classification: Likely benign. Last evaluated: 2024-10-25. Review status: criteria provided, single submitter. Criteria: ACMG Guidelines, 2015. Collection method: clinical testing. Allele origin: germline.

CeGaT Center for Human Genetics Tuebingen
Classification: Likely benign. Last evaluated: 2023-06-01. Review status: criteria provided, single submitter. Criteria: CeGaT Center For Human Genetics Tuebingen Variant Classification Criteria Version 2. Collection method: clinical testing. Allele origin: germline. Affected: yes. Observed: 1 variant allele.
Comment: CDSN: BP4, BP7

Breakthrough Genomics
Classification: Likely benign. Review status: criteria provided, single submitter. Criteria: ACMG Guidelines, 2015. Collection method: not provided. Allele origin: germline. Inheritance: Autosomal recessive inheritance. Affected: yes.

NM_001264.5(CDSN):c.678C>T (p.Pro226=)

Genes: CDSN (corneodesmosin; minus strand), PSORS1C1 (psoriasis susceptibility 1 candidate 1; plus strand). Cytogenetic location: 6p21.33.
Variant type: single nucleotide variant.
Coding change: c.678C>T on transcript NM_001264.5 (MANE Select); coding-DNA position 678, C replaced by T.
Protein change: p.Pro226=; no amino-acid change (proline 226 retained).
Molecular consequence: synonymous variant. On other transcripts: intron variant (1).
Genome position (GRCh38, 1-based): chr6:31,116,937, G>A on the plus strand (C>T on the coding strand, the complement: CDSN is on the minus strand). VCF-style: chr6-31116937-G-A. GRCh37 (hg19) VCF-style: chr6-31084714-G-A.
Other names: c.-229+2046G>A (NM_014068.3).
Identifiers: ClinVar variation 782002 (VCV000782002.34), dbSNP rs145637055, ClinGen allele CA3708447.